The following is an entry in ClinVar:

ClinVar aggregate classification (germline): Uncertain significance (1 of 4 stars; one submission).

Submission:

Dasa
Classification: Uncertain significance. Last evaluated: 2025-07-08. Review status: criteria provided, single submitter. Criteria: DASA Assertion Criteria. Collection method: clinical testing. Allele origin: germline.
Comment: NM_001365925.2(NLGN1):c.1321A>G (p.Asn441Asp) is a missense variant that results in the substitution of asparagine with aspartic acid. This variant is absent from population databases. Computational prediction algorithms are consistent with a benign effect. The currently available literature and clinical evidence are not sufficient to establish a definitive association between this variant and the reported condition. Therefore, this variant is classified as a variant of uncertain significance.

NM_001365925.2(NLGN1):c.1321A>G (p.Asn441Asp)

Gene: NLGN1 (neuroligin 1; plus strand). Cytogenetic location: 3q26.31.
Variant type: single nucleotide variant.
Coding change: c.1321A>G on transcript NM_001365925.2 (MANE Select); coding-DNA position 1321, A replaced by G.
Protein change: p.Asn441Asp; replaces asparagine 441 with aspartic acid.
Molecular consequence: missense variant.
Genome position (GRCh38, 1-based): chr3:174,279,262, A>G. VCF-style: chr3-174279262-A-G. GRCh37 (hg19) VCF-style: chr3-173997052-A-G.
Other names: c.1321A>G, p.Asn441Asp (NM_001365923.2, NM_001365924.2, NM_001365926.2 and 2 more transcripts); c.1261A>G, p.Asn421Asp (NM_001365929.2, NM_001365930.2, NM_001365931.2 and 3 more transcripts); c.1234A>G, p.Asn412Asp (NM_001365934.2, NM_001365935.2, NM_001365936.2); short protein forms N412D, N421D, N441D.
Identifiers: ClinVar variation 4885445 (VCV004885445.2).